The following is an entry in ClinVar:

ClinVar aggregate classification (germline): Benign/Likely benign. Review status: criteria provided, multiple submitters, no conflicts (2 of 4 stars). 3 submissions from 3 submitters: Benign (2); Likely benign (1). Last evaluated 2023-11-01.

Allele frequency attached by ClinVar (database versions not stated): gnomAD 0.00210; ExAC 0.00231; TOPMed 0.00239; ESP Exome Variant Server 0.00247; 1000 Genomes Project 0.00260; 1000 Genomes Project 30x 0.00265.
gnomAD v4.1: 4,828 of 1,613,886 alleles (0.3%); highest among the groups gnomAD compares: Middle Eastern, 0.78%; 12 homozygotes.

Submissions (3):

CeGaT Center for Human Genetics Tuebingen
Classification: Likely benign. Last evaluated: 2023-11-01. Review status: criteria provided, single submitter. Criteria: CeGaT Center For Human Genetics Tuebingen Variant Classification Criteria Version 2. Collection method: clinical testing. Allele origin: germline. Affected: yes. Observed: 1 variant allele.
Comment: ZNF554: BP4, BP7, BS2

Labcorp Genetics (formerly Invitae), Labcorp
Classification: Benign. Last evaluated: 2018-12-18. Review status: criteria provided, single submitter. Criteria: Invitae Variant Classification Sherloc (09022015). Collection method: clinical testing. Allele origin: germline.

Breakthrough Genomics
Classification: Benign. Review status: criteria provided, single submitter. Criteria: ACMG Guidelines, 2015. Collection method: not provided. Allele origin: germline. Inheritance: Unknown mechanism. Affected: yes.

NM_001102651.2(ZNF554):c.1209C>T (p.Thr403=)

Genes: ZNF554 (zinc finger protein 554; plus strand), LOC129391025 (MPRA-validated peak3239 silencer; plus strand). Cytogenetic location: 19p13.3.
Variant type: single nucleotide variant.
Coding change: c.1209C>T on transcript NM_001102651.2 (MANE Select); coding-DNA position 1209, C replaced by T.
Protein change: p.Thr403=; no amino-acid change (threonine 403 retained).
Molecular consequence: synonymous variant.
Genome position (GRCh38, 1-based): chr19:2,834,444, C>T. VCF-style: chr19-2834444-C-T. GRCh37 (hg19) VCF-style: chr19-2834442-C-T.
Identifiers: ClinVar variation 788464 (VCV000788464.28), dbSNP rs141660745, ClinGen allele CA9070569.